The following is an entry in ClinVar:

NM_000059.4(BRCA2):c.6959T>A (p.Leu2320Ter)

Gene: BRCA2 (BRCA2 DNA repair associated; plus strand). Cytogenetic location: 13q13.1.
Variant type: single nucleotide variant.
Coding change: c.6959T>A on transcript NM_000059.4 (MANE Select); coding-DNA position 6959, T replaced by A.
Protein change: p.Leu2320Ter; replaces leucine 2320 with a stop codon.
Molecular consequence: nonsense.
Genome position (GRCh38, 1-based): chr13:32,346,848, T>A. VCF-style: chr13-32346848-T-A. GRCh37 (hg19) VCF-style: chr13-32920985-T-A.
Other names: 7187T>A; short protein forms L2320*.
Identifiers: ClinVar variation 96844 (VCV000096844.21), dbSNP rs80358923, ClinGen allele CA024636.

ClinVar aggregate classification (germline): Pathogenic. Review status: reviewed by expert panel (3 of 4 stars). 8 submissions from 8 submitters: Pathogenic (1). 7 of the submissions do not count toward it. Last evaluated 2016-09-08.

Conditions:
Hereditary cancer-predisposing syndrome. Also called: Neoplastic Syndromes, Hereditary; Tumor predisposition; Hereditary neoplastic syndrome; Hereditary Cancer Syndrome. Identifiers: Orphanet 140162, MedGen C0027672, MeSH D009386, MONDO:0015356.
Hereditary breast ovarian cancer syndrome. Also called: Hereditary breast and ovarian cancer syndrome; Hereditary breast and ovarian cancer syndrome (HBOC); Breast and ovarian cancer; BRCA1- and BRCA2-Associated Hereditary Breast and Ovarian Cancer; Hereditary breast and/or ovarian cancer syndrome; Hereditary breast and ovarian cancer. Identifiers: Orphanet 145, MedGen C0677776, MeSH D061325, MONDO:0003582. Disease mechanism: loss of function.
Breast-ovarian cancer, familial, susceptibility to, 2 (BROVCA2). Also called: BRCA2 Hereditary Breast and Ovarian Cancer. Identifiers: Orphanet 145, MedGen C2675520, MONDO:0012933, OMIM 612555. Disease mechanism: loss of function.

Submissions (8):

Evidence-based Network for the Interpretation of Germline Mutant Alleles (ENIGMA)
Classification: Pathogenic for Breast-ovarian cancer, familial, susceptibility to, 2. Last evaluated: 2016-09-08. Review status: reviewed by expert panel. Criteria: ENIGMA BRCA1/2 Classification Criteria (2015). Collection method: curation. Allele origin: germline.
Comment: Variant allele predicted to encode a truncated non-functional protein.

Ambry Genetics
Classification: Pathogenic for Hereditary cancer-predisposing syndrome. Last evaluated: 2026-04-17. Review status: criteria provided, single submitter. Criteria: Ambry Variant Classification Scheme 2023. Collection method: clinical testing. Allele origin: germline. Not counted in ClinVar's aggregate classification.
Comment: The p.L2320* pathogenic mutation (also known as c.6959T>A), located in coding exon 12 of the BRCA2 gene, results from a T to A substitution at nucleotide position 6959. This changes the amino acid from a leucine to a stop codon within coding exon 12. This variant is considered to be rare based on population cohorts in the Genome Aggregation Database (gnomAD). This alteration is expected to result in loss of function by premature protein truncation or nonsense-mediated mRNA decay. As such, this alteration is interpreted as a disease-causing mutation.

Labcorp Genetics (formerly Invitae), Labcorp
Classification: Pathogenic for Hereditary breast ovarian cancer syndrome. Last evaluated: 2025-07-29. Review status: criteria provided, single submitter. Criteria: Invitae Variant Classification Sherloc (09022015). Collection method: clinical testing. Allele origin: germline. Not counted in ClinVar's aggregate classification.
Comment: This sequence change creates a premature translational stop signal (p.Leu2320*) in the BRCA2 gene. It is expected to result in an absent or disrupted protein product. Loss-of-function variants in BRCA2 are known to be pathogenic (PMID: 20104584). This variant is not present in population databases (gnomAD no frequency). This variant has not been reported in the literature in individuals affected with BRCA2-related conditions. ClinVar contains an entry for this variant (Variation ID: 96844). For these reasons, this variant has been classified as Pathogenic.

Molecular Diagnostics Laboratory, Catalan Institute of Oncology
Classification: Pathogenic for Hereditary cancer-predisposing syndrome. Last evaluated: 2024-10-30. Review status: criteria provided, single submitter. Criteria: ClinGen BRCA1BRCA2 ACMG Specifications BRCA2 V1.0.0. Collection method: clinical testing. Allele origin: germline. Not counted in ClinVar's aggregate classification.
Comment: PVS1, PM2_Supporting, PM5_PTC_Strong c.6959T>A, located in exon 13 of the BRCA2 gene, is a nonsense variant expected to result in loss of function by premature protein truncation and nonsense-mediated mRNA decay, p.(Leu2320*)(PVS1, PM5_PTC_strong).It is not present in the population exome database gnomAD v2.1.1, exome non-cancer data set (PM2_supporting). The SpliceAI algorithm predicts no significant impact on splicing. To our knowledge, functional studies have not been performed for this variant. This variant has been reported in the ClinVar database (6x pathogenic), in the LOVD database (2x PAT) and in the BRCA Exchange database as a pathogenic variant (‘Variant allele predicted to encode a truncated non-functional protein’). Based on currently available information, the variant c.6959T>A is classified as a pathogenic variant according to ClinGen-BRCA1 and BRCA2 Guidelines version 1.0.0.

GeneDx
Classification: Pathogenic. Last evaluated: 2024-06-02. Review status: criteria provided, single submitter. Criteria: GeneDx Variant Classification Process June 2021. Collection method: clinical testing. Allele origin: germline. Affected: yes. Not counted in ClinVar's aggregate classification.
Comment: Nonsense variant predicted to result in protein truncation or nonsense mediated decay in a gene for which loss of function is a known mechanism of disease; Published as a pathogenic variant in an individual without specified personal or family history of cancer (PMID: 29446198); Not observed at significant frequency in large population cohorts (gnomAD); Truncating variants in this gene are considered pathogenic by a well-established clinical consortium and/or database; Also known as 7187T>A; This variant is associated with the following publications: (PMID: 30787465, 20104584, 29446198, 32113160)

Color Diagnostics, LLC DBA Color Health
Classification: Pathogenic for Hereditary cancer-predisposing syndrome. Last evaluated: 2022-01-19. Review status: criteria provided, single submitter. Criteria: ACMG Guidelines, 2015. Collection method: clinical testing. Allele origin: germline. Not counted in ClinVar's aggregate classification.
Comment: This variant changes 1 nucleotide in exon 13 of the BRCA2 gene, creating a premature translation stop signal. This variant is expected to result in an absent or non-functional protein product. To our knowledge, this variant has not been reported in individuals affected with hereditary cancer in the literature. This variant has not been identified in the general population by the Genome Aggregation Database (gnomAD). Loss of BRCA2 function is a known mechanism of disease. Based on the available evidence, this variant is classified as Pathogenic.

Consortium of Investigators of Modifiers of BRCA1/2 (CIMBA), c/o University of Cambridge
Classification: Pathogenic for Breast-ovarian cancer, familial, susceptibility to, 2. Last evaluated: 2015-10-02. Review status: criteria provided, single submitter. Criteria: CIMBA Mutation Classification guidelines May 2016. Collection method: clinical testing. Allele origin: germline. Not counted in ClinVar's aggregate classification.

Sharing Clinical Reports Project (SCRP)
Classification: Pathogenic for Breast-ovarian cancer, familial 2. Last evaluated: 2008-09-10. Review status: no assertion criteria provided. Collection method: clinical testing. Allele origin: germline. Not counted in ClinVar's aggregate classification.

Literature cited by the submitters: PubMed 20104584 (cited by Labcorp Genetics (formerly Invitae), Labcorp).